The following is an entry in ClinVar:

ClinVar aggregate classification (germline): Likely benign. Review status: criteria provided, single submitter (1 of 4 stars). 2 submissions from 2 submitters: Likely benign (1). 1 of the submissions does not count toward it. Last evaluated 2022-03-29.

Conditions:
DSCAML1-related disorder. Also called: DSCAML1-related condition.

Allele frequency attached by ClinVar (database versions not stated): TOPMed 0.00002; gnomAD 0.00003; ExAC 0.00007; gnomAD exomes 0.00007.
gnomAD v4.1: 107 of 1,613,972 alleles (0.0066%); highest among the groups gnomAD compares: Non-Finnish European, 0.0088%; no homozygotes.

Submissions (2):

Labcorp Genetics (formerly Invitae), Labcorp
Classification: Likely benign. Last evaluated: 2022-03-29. Review status: criteria provided, single submitter. Criteria: Invitae Variant Classification Sherloc (09022015). Collection method: clinical testing. Allele origin: germline.

PreventionGenetics, part of Exact Sciences
Classification: Likely benign for DSCAML1-related condition. Last evaluated: 2019-03-22. Review status: no assertion criteria provided. Collection method: clinical testing. Allele origin: germline. Not counted in ClinVar's aggregate classification.
Comment: This variant is classified as likely benign based on ACMG/AMP sequence variant interpretation guidelines (Richards et al. 2015 PMID: 25741868, with internal and published modifications).

NM_020693.4(DSCAML1):c.511+7A>C

Gene: DSCAML1 (DS cell adhesion molecule like 1; minus strand). Cytogenetic location: 11q23.3.
Variant type: single nucleotide variant.
Coding change: c.511+7A>C on transcript NM_020693.4 (MANE Select); 7 bases into the intron after coding-DNA position 511, A replaced by C.
Molecular consequence: intron variant.
Genome position (GRCh38, 1-based): chr11:117,776,784, T>G on the plus strand (A>C on the coding strand, the complement: DSCAML1 is on the minus strand). VCF-style: chr11-117776784-T-G. GRCh37 (hg19) VCF-style: chr11-117647499-T-G.
Other names: c.691+7A>C (NM_020693.3); c.511+7A>C (NM_001367904.1); c.103+7A>C (NM_001367905.1).
Identifiers: ClinVar variation 2184186 (VCV002184186.5), dbSNP rs757238713, ClinGen allele CA6297556.